The following is an entry in ClinVar:

ClinVar aggregate classification (germline): Conflicting classifications of pathogenicity. Review status: criteria provided, conflicting classifications (1 of 4 stars). 10 submissions from 10 submitters: Uncertain significance (1); Benign (2); Likely benign (4). 3 of the submissions do not count toward it. Last evaluated 2026-07-01.

Conditions:
TBX1-related disorder. Also called: TBX1-Related Disorders; TBX1-related condition.
Cardiovascular phenotype. Identifiers: MedGen CN230736.
DiGeorge syndrome. Also called: Catch22; THIRD AND FOURTH PHARYNGEAL POUCH SYNDROME. Identifiers: Orphanet 567, MedGen C0012236, MONDO:0008564, OMIM 188400.

Submissions (10):

CeGaT Center for Human Genetics Tuebingen
Classification: Likely benign. Last evaluated: 2026-07-01. Review status: criteria provided, single submitter. Criteria: CeGaT Center For Human Genetics Tuebingen Variant Classification Criteria Version 2. Collection method: clinical testing. Allele origin: germline. Affected: yes. Observed: 2 variant alleles.
Comment: TBX1: PM4, BS2

Labcorp Genetics (formerly Invitae), Labcorp
Classification: Benign for DiGeorge syndrome. Last evaluated: 2026-01-25. Review status: criteria provided, single submitter. Criteria: Invitae Variant Classification Sherloc (09022015). Collection method: clinical testing. Allele origin: germline.

Blueprint Genetics
Classification: Likely benign. Last evaluated: 2024-10-17. Review status: criteria provided, single submitter. Criteria: ACMG Guidelines, 2015. Collection method: clinical testing. Allele origin: germline.

Women's Health and Genetics/Laboratory Corporation of America, LabCorp
Classification: Likely benign. Last evaluated: 2024-09-24. Review status: criteria provided, single submitter. Criteria: LabCorp Variant Classification Summary - May 2015. Collection method: clinical testing. Allele origin: germline.
Comment: Variant summary: TBX1 c.309_311delGAA (p.Lys103del) results in an in-frame deletion that is predicted to remove one amino acid from the encoded protein. The variant allele was found at a frequency of 0.0004 in 198560 control chromosomes, predominantly at a frequency of 0.65% within the East Asian subpopulation in the gnomAD database, including 2 homozygotes. The observed variant frequency within East Asian control individuals in the gnomAD database exceeds the estimated maximal expected allele frequency for a pathogenic variant in TBX1 causing TBX1-Related Disorders phenotype. The variant, c.309_311delGAA, has been reported in a cohort of Chinese individuals affected with (suspected) TBX1-Related Disorders with an allele frequency of 1.2%, including 1 homozygous patient (Xu_2017). Authors of this study also reported experimental evidence evaluating an impact on protein function, and demonstrated decreased protein levels together with decreased transcriptional activity in in vitro expression systems (Xu_2017), however neither decreased mRNA levels, nor increased protein degradation was found which could explain their findings, thus these data do not allow convincing conclusions about the variant effect. The following publication have been ascertained in the context of this evaluation (PMID: 28272434). ClinVar contains an entry for this variant (Variation ID: 455791). Based on the evidence outlined above, the variant was classified as likely benign.

Revvity Omics, Revvity
Classification: Uncertain significance. Last evaluated: 2020-10-01. Review status: criteria provided, single submitter. Criteria: ACMG Guidelines, 2015. Collection method: clinical testing. Allele origin: germline.

GeneDx
Classification: Benign. Last evaluated: 2019-02-28. Review status: criteria provided, single submitter. Criteria: GeneDx Variant Classification Process June 2021. Collection method: clinical testing. Allele origin: germline. Affected: yes.
Comment: This variant is associated with the following publications: (PMID: 28272434)

Ambry Genetics
Classification: Likely benign for Cardiovascular phenotype. Last evaluated: 2018-01-25. Review status: criteria provided, single submitter. Criteria: Ambry Variant Classification Scheme 2023. Collection method: clinical testing. Allele origin: germline.

PreventionGenetics, part of Exact Sciences
Classification: Likely benign for TBX1-related condition. Last evaluated: 2019-11-27. Review status: no assertion criteria provided. Collection method: clinical testing. Allele origin: germline. Not counted in ClinVar's aggregate classification.
Comment: This variant is classified as likely benign based on ACMG/AMP sequence variant interpretation guidelines (Richards et al. 2015 PMID: 25741868, with internal and published modifications).

Clinical Genetics DNA and cytogenetics Diagnostics Lab, Erasmus MC, Erasmus Medical Center
Classification: Likely benign. Review status: no assertion criteria provided. Collection method: clinical testing. Allele origin: germline. Affected: yes. Study: VKGL Data-share Consensus. Not counted in ClinVar's aggregate classification.

Laboratory of Diagnostic Genome Analysis, Leiden University Medical Center (LUMC)
Classification: Likely benign. Review status: no assertion criteria provided. Collection method: clinical testing. Allele origin: germline. Affected: yes. Study: VKGL Data-share Consensus. Not counted in ClinVar's aggregate classification.

Literature cited by the submitters: PubMed 28272434 (cited by Women's Health and Genetics/Laboratory Corporation of America, LabCorp and Ambry Genetics).

NM_001379200.1(TBX1):c.330GAA[2] (p.Lys112del)

Gene: TBX1 (T-box transcription factor 1; plus strand). Cytogenetic location: 22q11.21.
Variant type: Microsatellite.
Coding change: c.330GAA[2] on transcript NM_001379200.1 (MANE Select); two copies in a row of the 3-base unit GAA starting at c.330; the reference has three copies in a row; one copy, 3 bases deleted.
Protein change: p.Lys112del; deletes lysine 112.
Molecular consequence: inframe deletion.
Genome position (GRCh38, 1-based): chr22:19,761,179-19,761,181, GAA deleted; deleting any 3 consecutive bases within chr22:19,761,173-19,761,181 gives the same sequence; the position shown is the placement nearest the transcript's 3' end. VCF-style (leftmost placement, unchanged base first): chr22-19761172-TGAA-T. GRCh37 (hg19) VCF-style: chr22-19748695-TGAA-T.
Other names: c.309_311delGAA (NM_080647.1); c.309_311del (NM_080647.1); c.303GAA[2], p.Lys103del (NM_005992.1, NM_080646.2, NM_080647.1); short protein forms K103del, K112del.
Identifiers: ClinVar variation 455791 (VCV000455791.38), dbSNP rs369050575, ClinGen allele CA10102398.